The following is an entry in ClinVar:

NM_000038.6(APC):c.6563T>C (p.Ile2188Thr)

Gene: APC (APC regulator of Wnt signaling pathway; plus strand). Cytogenetic location: 5q22.2.
Variant type: single nucleotide variant.
Coding change: c.6563T>C on transcript NM_000038.6 (MANE Select); coding-DNA position 6563, T replaced by C.
Protein change: p.Ile2188Thr; replaces isoleucine 2188 with threonine.
Molecular consequence: missense variant.
Genome position (GRCh38, 1-based): chr5:112,842,157, T>C. VCF-style: chr5-112842157-T-C. GRCh37 (hg19) VCF-style: chr5-112177854-T-C.
Other names: c.6563T>C, p.Ile2188Thr (NM_001127510.3, NM_001354895.2); c.6509T>C, p.Ile2170Thr (NM_001127511.3); c.6617T>C, p.Ile2206Thr (NM_001354896.2); c.6593T>C, p.Ile2198Thr (NM_001354897.2); c.6488T>C, p.Ile2163Thr (NM_001354898.2); c.6479T>C, p.Ile2160Thr (NM_001354899.2); c.6440T>C, p.Ile2147Thr (NM_001354900.2); c.6386T>C, p.Ile2129Thr (NM_001354901.2); and 5 more; short protein forms I1905T, I2028T, I2062T, I2087T, I2097T, I2129T, I2147T, I2160T.
Identifiers: ClinVar variation 1006897 (VCV001006897.13), dbSNP rs1766246089, ClinGen allele CA16035689.

ClinVar aggregate classification (germline): Uncertain significance. Review status: criteria provided, multiple submitters, no conflicts (2 of 4 stars). 2 submissions from 2 submitters: Uncertain significance (2). Last evaluated 2025-07-21.

Conditions:
Hereditary cancer-predisposing syndrome. Also called: Hereditary neoplastic syndrome; Neoplastic Syndromes, Hereditary; Tumor predisposition; Hereditary Cancer Syndrome. Identifiers: Orphanet 140162, MedGen C0027672, MeSH D009386, MONDO:0015356.
Familial adenomatous polyposis 1 (FAP1). Also called: FAMILIAL ADENOMATOUS POLYPOSIS 1, ATTENUATED; POLYPOSIS, ADENOMATOUS INTESTINAL. Identifiers: MedGen C2713442, MONDO:0021056, OMIM 175100. Disease mechanism: loss of function.

Submissions (2):

Ambry Genetics
Classification: Uncertain significance for Hereditary cancer-predisposing syndrome. Last evaluated: 2025-07-21. Review status: criteria provided, single submitter. Criteria: Ambry Variant Classification Scheme 2023. Collection method: clinical testing. Allele origin: germline.
Comment: The p.I2188T variant (also known as c.6563T>C), located in coding exon 15 of the APC gene, results from a T to C substitution at nucleotide position 6563. The isoleucine at codon 2188 is replaced by threonine, an amino acid with similar properties. This amino acid position is well conserved in available vertebrate species. In addition, in silico predictors for this gene do not accurately predict pathogenicity. Missense alterations in APC are not a common cause of disease (Spier I et al. Genet Med. 2024 Feb;26(2):100992). Based on the available evidence, the clinical significance of this variant remains unclear.

Labcorp Genetics (formerly Invitae), Labcorp
Classification: Uncertain significance for Familial adenomatous polyposis 1. Last evaluated: 2020-03-24. Review status: criteria provided, single submitter. Criteria: Invitae Variant Classification Sherloc (09022015). Collection method: clinical testing. Allele origin: germline.
Comment: In summary, the available evidence is currently insufficient to determine the role of this variant in disease. Therefore, it has been classified as a Variant of Uncertain Significance. Algorithms developed to predict the effect of missense changes on protein structure and function are either unavailable or do not agree on the potential impact of this missense change (SIFT: "Tolerated"; PolyPhen-2: "Possibly Damaging"; Align-GVGD: "Class C0"). This variant has not been reported in the literature in individuals with APC-related conditions. This variant is not present in population databases (ExAC no frequency). This sequence change replaces isoleucine with threonine at codon 2188 of the APC protein (p.Ile2188Thr). The isoleucine residue is highly conserved and there is a moderate physicochemical difference between isoleucine and threonine.